The following is an entry in ClinVar:

NM_001005361.3(DNM2):c.2452G>A (p.Val818Met)

Gene: DNM2 (dynamin 2; plus strand). Cytogenetic location: 19p13.2.
Variant type: single nucleotide variant.
Coding change: c.2452G>A on transcript NM_001005361.3 (MANE Select); coding-DNA position 2452, G replaced by A.
Protein change: p.Val818Met; replaces valine 818 with methionine.
Molecular consequence: missense variant.
Genome position (GRCh38, 1-based): chr19:10,830,287, G>A. VCF-style: chr19-10830287-G-A. GRCh37 (hg19) VCF-style: chr19-10940963-G-A.
Other names: p.Val818Met; c.2452G>A, p.Val818Met (NM_001005360.3, NM_001190716.2); c.2440G>A, p.Val814Met (NM_001005362.3, NM_004945.4); short protein forms V818M, V814M.
Identifiers: ClinVar variation 465286 (VCV000465286.15), dbSNP rs755608537, ClinGen allele CA9201623.

ClinVar aggregate classification (germline): Conflicting classifications of pathogenicity. Review status: criteria provided, conflicting classifications (1 of 4 stars). 5 submissions from 5 submitters: Uncertain significance (3); Likely benign (2). Last evaluated 2025-06-04.

Conditions:
Inborn genetic diseases. Identifiers: MedGen C0950123, MeSH D030342.
Charcot-Marie-Tooth disease dominant intermediate B (CMTDIB). Also called: CHARCOT-MARIE-TOOTH NEUROPATHY, DOMINANT INTERMEDIATE B; Charcot-Marie-Tooth disease dominant intermediate 1; CMT DI1; Charcot-Marie-Tooth disease dominant intermediate I. Identifiers: Orphanet 100044, Orphanet 228179, MedGen C1847902, MONDO:0011674, OMIM 606482.

Allele frequency attached by ClinVar (database versions not stated): TOPMed 0.00002; ExAC 0.00003; gnomAD 0.00003; gnomAD exomes 0.00004.
gnomAD v4.1: 59 of 1,613,682 alleles (0.0037%); highest among the groups gnomAD compares: Non-Finnish European, 0.0043%; no homozygotes.

Submissions (5):

Labcorp Genetics (formerly Invitae), Labcorp
Classification: Likely benign for Charcot-Marie-Tooth disease dominant intermediate B. Last evaluated: 2025-06-04. Review status: criteria provided, single submitter. Criteria: Invitae Variant Classification Sherloc (09022015). Collection method: clinical testing. Allele origin: germline.

ARUP Laboratories, Molecular Genetics and Genomics, ARUP Laboratories
Classification: Uncertain significance. Last evaluated: 2025-04-08. Review status: criteria provided, single submitter. Criteria: ARUP Molecular Germline Variant Investigation Process 2024. Collection method: clinical testing. Allele origin: germline.
Comment: The DNM2 c.2452G>A; p.Val818Met variant (rs755608537), to our knowledge, is not reported in the medical literature but is reported in ClinVar (Variation ID: 465286). This variant is found in the non-Finnish European population with an allele frequency of 0.006% (8/128818 alleles) in the Genome Aggregation Database (v2.1.1). Computational analyses predict that this variant is neutral (REVEL: 0.049). Due to limited information, the clinical significance of this variant is uncertain at this time.

Revvity Omics, Revvity
Classification: Uncertain significance. Last evaluated: 2024-09-17. Review status: criteria provided, single submitter. Criteria: ACMG Guidelines, 2015. Collection method: clinical testing. Allele origin: germline.

Ambry Genetics
Classification: Likely benign for Inborn genetic diseases. Last evaluated: 2024-01-09. Review status: criteria provided, single submitter. Criteria: Ambry Variant Classification Scheme 2023. Collection method: clinical testing. Allele origin: germline.

Mayo Clinic Laboratories, Mayo Clinic
Classification: Uncertain significance. Last evaluated: 2021-11-04. Review status: criteria provided, single submitter. Criteria: ACMG Guidelines, 2015. Collection method: clinical testing. Allele origin: germline.